The following is an entry in ClinVar:

NM_000057.4(BLM):c.4243G>A (p.Ala1415Thr)

Gene: BLM (BLM RecQ like helicase; plus strand). Cytogenetic location: 15q26.1.
Variant type: single nucleotide variant.
Coding change: c.4243G>A on transcript NM_000057.4 (MANE Select); coding-DNA position 4243, G replaced by A.
Protein change: p.Ala1415Thr; replaces alanine 1415 with threonine.
Molecular consequence: missense variant.
Genome position (GRCh38, 1-based): chr15:90,815,268, G>A. VCF-style: chr15-90815268-G-A. GRCh37 (hg19) VCF-style: chr15-91358498-G-A.
Other names: c.3850G>A, p.Ala1284Thr (NM_001287247.2); c.3118G>A, p.Ala1040Thr (NM_001287248.2); c.4243G>A, p.Ala1415Thr (NM_001287246.2); short protein forms A1040T, A1284T, A1415T.
Identifiers: ClinVar variation 2586886 (VCV002586886.2), dbSNP rs2151202470, ClinGen allele CA393853341.

ClinVar aggregate classification (germline): Uncertain significance (1 of 4 stars; one submission).

Conditions:
Hereditary cancer-predisposing syndrome. Also called: Hereditary neoplastic syndrome; Tumor predisposition; Hereditary Cancer Syndrome; Neoplastic Syndromes, Hereditary. Identifiers: Orphanet 140162, MedGen C0027672, MeSH D009386, MONDO:0015356.

Submission:

Ambry Genetics
Classification: Uncertain significance for Hereditary cancer-predisposing syndrome. Last evaluated: 2023-08-09. Review status: criteria provided, single submitter. Criteria: Ambry Variant Classification Scheme 2023. Collection method: clinical testing. Allele origin: germline.
Comment: The p.A1415T variant (also known as c.4243G>A), located in coding exon 21 of the BLM gene, results from a G to A substitution at nucleotide position 4243. The alanine at codon 1415 is replaced by threonine, an amino acid with similar properties. This amino acid position is well conserved in available vertebrate species. In addition, this alteration is predicted to be tolerated by in silico analysis. Since supporting evidence is limited at this time, the clinical significance of this alteration remains unclear.